The following is an entry in ClinVar:

ClinVar aggregate classification (germline): Uncertain significance (1 of 4 stars; one submission).

Conditions:
Idiopathic generalized epilepsy. Also called: EIG; Generalised epilepsy. Identifiers: MedGen C0270850, MONDO:0005579, OMIM 600669.
Hyperaldosteronism, familial, type IV (HALD4). Also called: FH IV; ALDOSTERONISM, PRIMARY, AND HYPERTENSION. Identifiers: Orphanet 642671, MedGen C4310756, MONDO:0014875, OMIM 617027.

Submission:

Labcorp Genetics (formerly Invitae), Labcorp
Classification: Uncertain significance for Idiopathic generalized epilepsy; Hyperaldosteronism, familial, type IV. Last evaluated: 2024-07-07. Review status: criteria provided, single submitter. Criteria: Invitae Variant Classification Sherloc (09022015). Collection method: clinical testing. Allele origin: germline.
Comment: This sequence change replaces methionine, which is neutral and non-polar, with isoleucine, which is neutral and non-polar, at codon 388 of the CACNA1H protein (p.Met388Ile). This variant is not present in population databases (gnomAD no frequency). This variant has not been reported in the literature in individuals affected with CACNA1H-related conditions. Advanced modeling of protein sequence and biophysical properties (such as structural, functional, and spatial information, amino acid conservation, physicochemical variation, residue mobility, and thermodynamic stability) has been performed at Invitae for this missense variant, however the output from this modeling did not meet the statistical confidence thresholds required to predict the impact of this variant on CACNA1H protein function. In summary, the available evidence is currently insufficient to determine the role of this variant in disease. Therefore, it has been classified as a Variant of Uncertain Significance.

NM_021098.3(CACNA1H):c.1164G>T (p.Met388Ile)

Gene: CACNA1H (calcium voltage-gated channel subunit alpha1 H; plus strand). Cytogenetic location: 16p13.3.
Variant type: single nucleotide variant.
Coding change: c.1164G>T on transcript NM_021098.3 (MANE Select); coding-DNA position 1164, G replaced by T.
Protein change: p.Met388Ile; replaces methionine 388 with isoleucine.
Molecular consequence: missense variant.
Genome position (GRCh38, 1-based): chr16:1,200,760, G>T. VCF-style: chr16-1200760-G-T. GRCh37 (hg19) VCF-style: chr16-1250760-G-T.
Other names: c.1164G>T, p.Met388Ile (NM_001005407.2); short protein forms M388I.
Identifiers: ClinVar variation 3763602 (VCV003763602.2).